The following is an entry in ClinVar:

NM_006384.4(CIB1):c.460G>T (p.Asp154Tyr)

Gene: CIB1 (calcium and integrin binding 1; minus strand). Cytogenetic location: 15q26.1.
Variant type: single nucleotide variant.
Coding change: c.460G>T on transcript NM_006384.4 (MANE Select); coding-DNA position 460, G replaced by T.
Protein change: p.Asp154Tyr; replaces aspartic acid 154 with tyrosine.
Molecular consequence: missense variant. On other transcripts: non-coding transcript variant (2).
Genome position (GRCh38, 1-based): chr15:90,231,100, C>A on the plus strand (G>T on the coding strand, the complement: CIB1 is on the minus strand). VCF-style: chr15-90231100-C-A. GRCh37 (hg19) VCF-style: chr15-90774332-C-A.
Other names: c.580G>T, p.Asp194Tyr (NM_001277764.2); short protein forms D154Y, D194Y.
Identifiers: ClinVar variation 1012151 (VCV001012151.8), dbSNP rs201298867, ClinGen allele CA393813791.

ClinVar aggregate classification (germline): Uncertain significance (1 of 4 stars; one submission).

gnomAD v4.1: 4 of 1,613,928 alleles (0.00025%); highest among the groups gnomAD compares: Non-Finnish European, 0.00034%; no homozygotes.

Submission:

Labcorp Genetics (formerly Invitae), Labcorp
Classification: Uncertain significance. Last evaluated: 2025-03-31. Review status: criteria provided, single submitter. Criteria: Invitae Variant Classification Sherloc (09022015). Collection method: clinical testing. Allele origin: germline.
Comment: This sequence change replaces aspartic acid, which is acidic and polar, with tyrosine, which is neutral and polar, at codon 194 of the CIB1 protein (p.Asp194Tyr). This variant is not present in population databases (gnomAD no frequency). This variant has not been reported in the literature in individuals affected with CIB1-related conditions. ClinVar contains an entry for this variant (Variation ID: 1012151). Experimental studies and prediction algorithms are not available or were not evaluated, and the functional significance of this variant is currently unknown. In summary, the available evidence is currently insufficient to determine the role of this variant in disease. Therefore, it has been classified as a Variant of Uncertain Significance.